The following is an entry in ClinVar:

ClinVar aggregate classification (germline): Conflicting classifications of pathogenicity. Review status: criteria provided, conflicting classifications (1 of 4 stars). 2 submissions from 2 submitters: Uncertain significance (1); Likely benign (1). Last evaluated 2025-11-17.

Conditions:
Progressive familial heart block type IB (PFHB1B). Identifiers: Orphanet 871, MedGen C1970298, MONDO:0011474, OMIM 604559.
Cardiovascular phenotype. Identifiers: MedGen CN230736.

Allele frequency attached by ClinVar (database versions not stated): gnomAD 0.00002; gnomAD exomes 0.00004; ExAC 0.00005; TOPMed 0.00002.
gnomAD v4.1: 65 of 1,611,028 alleles (0.004%); highest among the groups gnomAD compares: South Asian, 0.016%; no homozygotes.

Submissions (2):

Labcorp Genetics (formerly Invitae), Labcorp
Classification: Uncertain significance for Progressive familial heart block type IB. Last evaluated: 2025-11-17. Review status: criteria provided, single submitter. Criteria: Invitae Variant Classification Sherloc (09022015). Collection method: clinical testing. Allele origin: germline.
Comment: This sequence change replaces methionine, which is neutral and non-polar, with threonine, which is neutral and polar, at codon 514 of the TRPM4 protein (p.Met514Thr). This variant is present in population databases (rs759246754, gnomAD 0.02%). This variant has not been reported in the literature in individuals affected with TRPM4-related conditions. ClinVar contains an entry for this variant (Variation ID: 1774860). An algorithm developed to predict the effect of missense changes on protein structure and function outputs the following: PolyPhen-2: "Benign". The threonine amino acid residue is found in multiple mammalian species, which suggests that this missense change does not adversely affect protein function. In summary, the available evidence is currently insufficient to determine the role of this variant in disease. Therefore, it has been classified as a Variant of Uncertain Significance.

Ambry Genetics
Classification: Likely benign for Cardiovascular phenotype. Last evaluated: 2025-11-12. Review status: criteria provided, single submitter. Criteria: Ambry Variant Classification Scheme 2023. Collection method: clinical testing. Allele origin: germline.

NM_017636.4(TRPM4):c.1541T>C (p.Met514Thr)

Gene: TRPM4 (transient receptor potential cation channel subfamily M member 4; plus strand). Cytogenetic location: 19q13.33.
Variant type: single nucleotide variant.
Coding change: c.1541T>C on transcript NM_017636.4 (MANE Select); coding-DNA position 1541, T replaced by C.
Protein change: p.Met514Thr; replaces methionine 514 with threonine.
Molecular consequence: missense variant. On other transcripts: 5 prime UTR variant (1).
Genome position (GRCh38, 1-based): chr19:49,182,855, T>C. VCF-style: chr19-49182855-T-C. GRCh37 (hg19) VCF-style: chr19-49686112-T-C.
Other names: c.1541T>C, p.Met514Thr (NM_001195227.2); c.1196T>C, p.Met399Thr (NM_001321281.2); c.-13T>C (NM_001321282.2); c.1019T>C, p.Met340Thr (NM_001321283.2); c.479T>C, p.Met160Thr (NM_001321285.2); short protein forms M160T, M340T, M399T, M514T.
Identifiers: ClinVar variation 1774860 (VCV001774860.8), dbSNP rs759246754, ClinGen allele CA9569220.